The following is an entry in ClinVar:

NM_001127222.2(CACNA1A):c.5256C>T (p.Ala1752=)

Gene: CACNA1A (calcium voltage-gated channel subunit alpha1 A; minus strand). Cytogenetic location: 19p13.13.
Variant type: single nucleotide variant.
Coding change: c.5256C>T on transcript NM_001127222.2 (MANE Select); coding-DNA position 5256, C replaced by T.
Protein change: p.Ala1752=; no amino-acid change (alanine 1752 retained).
Molecular consequence: synonymous variant.
Genome position (GRCh38, 1-based): chr19:13,231,854, G>A on the plus strand (C>T on the coding strand, the complement: CACNA1A is on the minus strand). VCF-style: chr19-13231854-G-A. GRCh37 (hg19) VCF-style: chr19-13342668-G-A.
Other names: c.5274C>T, p.Ala1758= (NM_000068.4, NM_023035.3); c.5259C>T, p.Ala1753= (NM_001127221.2); c.5265C>T, p.Ala1755= (NM_001174080.2).
Identifiers: ClinVar variation 542838 (VCV000542838.35), dbSNP rs753902560, ClinGen allele CA9239767.

ClinVar aggregate classification (germline): Likely benign. Review status: criteria provided, multiple submitters, no conflicts (2 of 4 stars). 2 submissions from 2 submitters: Likely benign (2). Last evaluated 2025-06-09.

Conditions:
Episodic ataxia type 2 (EA2). Also called: EPISODIC ATAXIA, NYSTAGMUS-ASSOCIATED; ACETAZOLAMIDE-RESPONSIVE HEREDITARY PAROXYSMAL CEREBELLAR ATAXIA; ATAXIA, EPISODIC, WITH NYSTAGMUS; ATAXIA, FAMILIAL PAROXYSMAL; CEREBELLAR ATAXIA, PAROXYSMAL, ACETAZOLAMIDE-RESPONSIVE; CEREBELLOPATHY, HEREDITARY PAROXYSMAL. Identifiers: Orphanet 97, MedGen C1720416, MONDO:0007163, OMIM 108500.
Developmental and epileptic encephalopathy, 42 (DEE42A). Also called: Epileptic encephalopathy, early infantile, 42; EPILEPTIC ENCEPHALOPATHY, EARLY INFANTILE, 42A; DEVELOPMENTAL AND EPILEPTIC ENCEPHALOPATHY 42A. Identifiers: MedGen C4310716, MONDO:0014917, OMIM 617106.

Allele frequency attached by ClinVar (database versions not stated): gnomAD exomes below 0.00001 and 0.00002; ExAC 0.00001; gnomAD 0.00001; TOPMed 0.00002.
gnomAD v4.1: 5 of 1,613,238 alleles (0.00031%); highest among the groups gnomAD compares: South Asian, 0.0022%; no homozygotes.

Submissions (2):

Labcorp Genetics (formerly Invitae), Labcorp
Classification: Likely benign for Developmental and epileptic encephalopathy, 42; Episodic ataxia type 2. Last evaluated: 2025-06-09. Review status: criteria provided, single submitter. Criteria: Invitae Variant Classification Sherloc (09022015). Collection method: clinical testing. Allele origin: germline.

CeGaT Center for Human Genetics Tuebingen
Classification: Likely benign. Last evaluated: 2023-10-01. Review status: criteria provided, single submitter. Criteria: CeGaT Center For Human Genetics Tuebingen Variant Classification Criteria Version 2. Collection method: clinical testing. Allele origin: germline. Affected: yes. Observed: 1 variant allele.
Comment: CACNA1A: BP4, BP7